The following is an entry in ClinVar:

NM_001165963.4(SCN1A):c.517dup (p.Ile173fs)

Gene: SCN1A (sodium voltage-gated channel alpha subunit 1; minus strand). Cytogenetic location: 2q24.3.
Variant type: Duplication.
Coding change: c.517dup on transcript NM_001165963.4 (MANE Select); coding-DNA position 517, one base duplicated (A; older notation c.517dupA).
Protein change: p.Ile173fs; shifts the reading frame from isoleucine 173.
Molecular consequence: frameshift variant. On other transcripts: 5 prime UTR variant (1), non-coding transcript variant (1).
Genome position (GRCh38, 1-based): chr2:166,054,723, T duplicated on the plus strand (A on the coding strand, the reverse complement: SCN1A is on the minus strand); the first of 5 consecutive T bases (chr2:166,054,723-166,054,727); duplicating any one gives the same sequence. VCF-style (leftmost placement, unchanged base first): chr2-166054722-A-AT. GRCh37 (hg19) VCF-style: chr2-166911232-A-AT.
Other names: c.517dup, p.Ile173fs (NM_001165964.3, NM_001202435.3, NM_001353948.2 and 10 more transcripts); c.-1909dup (NM_001353961.2); short protein forms I173fs.
Identifiers: ClinVar variation 1452222 (VCV001452222.7), dbSNP rs2105902354, ClinGen allele CA2573133519.
Genomic context (GRCh38, chr2:166,054,722, plus strand): 5'-AGCCAGTTCCATGGATCCCGAAGGAAAGTAAAATCTTCTAAACAGAATCCCCTTGCAATA[A>AT]TTTTTATAAGTGATTCAAAAGTATATATTCCTGTGAAGGTGTATCTGAAAACAAGCATCC-3'

ClinVar aggregate classification (germline): Pathogenic (1 of 4 stars; one submission).

Conditions:
Early-infantile DEE. Also called: Early infantile epileptic encephalopathy with suppression bursts; Early infantile epileptic encephalopathy; Ohtahara syndrome. Identifiers: Orphanet 1934, MedGen C0393706, MONDO:0800491.

Submission:

Labcorp Genetics (formerly Invitae), Labcorp
Classification: Pathogenic for Early-infantile DEE. Last evaluated: 2022-08-09. Review status: criteria provided, single submitter. Criteria: Invitae Variant Classification Sherloc (09022015). Collection method: clinical testing. Allele origin: germline.
Comment: This sequence change creates a premature translational stop signal (p.Ile173Asnfs*104) in the SCN1A gene. It is expected to result in an absent or disrupted protein product. Loss-of-function variants in SCN1A are known to be pathogenic (PMID: 17347258, 18930999). For these reasons, this variant has been classified as Pathogenic. ClinVar contains an entry for this variant (Variation ID: 1452222). This variant has not been reported in the literature in individuals affected with SCN1A-related conditions. This variant is not present in population databases (gnomAD no frequency).

Literature cited by the submitters: PubMed 17347258; PubMed 18930999.